The following is an entry in ClinVar:

ClinVar aggregate classification (germline): Uncertain significance (1 of 4 stars; one submission).

Conditions:
Hereditary breast ovarian cancer syndrome. Also called: Hereditary breast and ovarian cancer syndrome (HBOC); Breast and ovarian cancer; BRCA1- and BRCA2-Associated Hereditary Breast and Ovarian Cancer; Hereditary breast and ovarian cancer syndrome; Hereditary breast and ovarian cancer; Hereditary breast and/or ovarian cancer syndrome. Identifiers: Orphanet 145, MedGen C0677776, MeSH D061325, MONDO:0003582. Disease mechanism: loss of function.

Submission:

Labcorp Genetics (formerly Invitae), Labcorp
Classification: Uncertain significance for Hereditary breast ovarian cancer syndrome. Last evaluated: 2023-05-21. Review status: criteria provided, single submitter. Criteria: Invitae Variant Classification Sherloc (09022015). Collection method: clinical testing. Allele origin: germline.
Comment: Advanced modeling of protein sequence and biophysical properties (such as structural, functional, and spatial information, amino acid conservation, physicochemical variation, residue mobility, and thermodynamic stability) performed at Invitae indicates that this missense variant is not expected to disrupt BRCA2 protein function. This variant has not been reported in the literature in individuals affected with BRCA2-related conditions. This variant is not present in population databases (gnomAD no frequency). This sequence change replaces glycine, which is neutral and non-polar, with arginine, which is basic and polar, at codon 379 of the BRCA2 protein (p.Gly379Arg). In summary, the available evidence is currently insufficient to determine the role of this variant in disease. Therefore, it has been classified as a Variant of Uncertain Significance.

NM_000059.4(BRCA2):c.1135G>C (p.Gly379Arg)

Gene: BRCA2 (BRCA2 DNA repair associated; plus strand). Cytogenetic location: 13q13.1.
Variant type: single nucleotide variant.
Coding change: c.1135G>C on transcript NM_000059.4 (MANE Select); coding-DNA position 1135, G replaced by C.
Protein change: p.Gly379Arg; replaces glycine 379 with arginine.
Molecular consequence: missense variant. On other transcripts: non-coding transcript variant (1), intron variant (1).
Genome position (GRCh38, 1-based): chr13:32,332,613, G>C. VCF-style: chr13-32332613-G-C. GRCh37 (hg19) VCF-style: chr13-32906750-G-C.
Other names: c.1135G>C, p.Gly379Arg (NM_001406719.1, NM_001406720.1, NM_001406721.1); c.424+1583G>C (NM_001406722.1); short protein forms G379R.
Identifiers: ClinVar variation 2836265 (VCV002836265.3), dbSNP rs746871759, ClinGen allele CA387761761.
Genomic context (GRCh38, chr13:32,332,613, plus strand): 5'-GAACCAAATGATACTGATCCATTAGATTCAAATGTAGCAAATCAGAAGCCCTTTGAGAGT[G>C]GAAGTGACAAAATCTCCAAGGAAGTTGTACCGTCTTTGGCCTGTGAATGGTCTCAACTAA-3'
Protein context (NP_000050.3, residues 369-389): NVANQKPFES[Gly379Arg]SDKISKEVVP